The following is an entry in ClinVar:

ClinVar aggregate classification (germline): Uncertain significance (1 of 4 stars; one submission).

Conditions:
Autosomal recessive limb-girdle muscular dystrophy type 2J (LGMDR10). Also called: Limb-girdle muscular dystrophy, type 2J; MUSCULAR DYSTROPHY, LIMB-GIRDLE, AUTOSOMAL RECESSIVE 10. Identifiers: Orphanet 140922, MedGen C1837342, MONDO:0012127, OMIM 608807.
Dilated cardiomyopathy 1G (CMD1G). Identifiers: Orphanet 154, MedGen C1858763, MONDO:0011400, OMIM 604145.

Submission:

Labcorp Genetics (formerly Invitae), Labcorp
Classification: Uncertain significance for Dilated cardiomyopathy 1G; Autosomal recessive limb-girdle muscular dystrophy type 2J. Last evaluated: 2019-01-14. Review status: criteria provided, single submitter. Criteria: Invitae Variant Classification Sherloc (09022015). Collection method: clinical testing. Allele origin: germline.
Comment: In summary, the available evidence is currently insufficient to determine the role of this variant in disease. Therefore, it has been classified as a Variant of Uncertain Significance. Algorithms developed to predict the effect of missense changes on protein structure and function are unavailable for the TTN gene. This variant is located in the M band of TTN (PMID: 25589632). Variants in this region may be relevant for neuromuscular disorders, but have not been definitively shown to cause cardiomyopathy (PMID: 23975875). This variant has not been reported in the literature in individuals with TTN-related disease. This variant is not present in population databases (ExAC no frequency). This sequence change replaces glutamic acid with aspartic acid at codon 33600 of the TTN protein (p.Glu33600Asp). There is a small physicochemical difference between glutamic acid and aspartic acid.

Literature cited by the submitters: PubMed 25589632; PubMed 23975875.

NM_001267550.2(TTN):c.100800A>C (p.Glu33600Asp)

Genes: TTN-AS1 (TTN antisense RNA 1; plus strand), TTN (titin; minus strand). Cytogenetic location: 2q31.2.
Variant type: single nucleotide variant.
Coding change: c.100800A>C on transcript NM_001267550.2 (MANE Select); coding-DNA position 100800, A replaced by C.
Protein change: p.Glu33600Asp; replaces glutamic acid 33600 with aspartic acid.
Molecular consequence: missense variant. On other transcripts: non-coding transcript variant (1).
Genome position (GRCh38, 1-based): chr2:178,535,815, T>G on the plus strand (A>C on the coding strand, the complement: TTN is on the minus strand). VCF-style: chr2-178535815-T-G. GRCh37 (hg19) VCF-style: chr2-179400542-T-G.
Other names: c.95877A>C, p.Glu31959Asp (NM_001256850.1); c.73605A>C, p.Glu24535Asp (NM_003319.4); c.74181A>C, p.Glu24727Asp (NM_133437.4); c.93096A>C, p.Glu31032Asp (NM_133378.4); c.73980A>C, p.Glu24660Asp (NM_133432.3); short protein forms E31959D, E24535D, E24727D, E31032D, E24660D, E33600D.
Identifiers: ClinVar variation 662921 (VCV000662921.9), dbSNP rs1575299834, ClinGen allele CA349424541.
Genomic context (GRCh38, chr2:178,535,815, plus strand): 5'-ACTGAAAGGAATCTTGATGCTGACCACTTCACCTCGGAGAGCATGAACTGCTCCCATGCC[T>G]TCAAGAGTTTTAGGTAAGTGTATCTTAGCTGGAACTGTATCAGAAAAAAAAAAAAAAAGA-3'
Protein context (NP_001254479.2, residues 33590-33610): PAKIHLPKTL[Glu33600Asp]GMGAVHALRG